The following is an entry in ClinVar:

ClinVar aggregate classification (germline): Uncertain significance (1 of 4 stars; one submission).

Conditions:
Cardiovascular phenotype. Identifiers: MedGen CN230736.

Allele frequency attached by ClinVar (database versions not stated): gnomAD exomes below 0.00001.
gnomAD v4.1: 5 of 1,550,560 alleles (0.00032%); highest among the groups gnomAD compares: Non-Finnish European, 0.00044%; no homozygotes.

Submission:

Ambry Genetics
Classification: Uncertain significance for Cardiovascular phenotype. Last evaluated: 2022-09-19. Review status: criteria provided, single submitter. Criteria: Ambry Variant Classification Scheme 2023. Collection method: clinical testing. Allele origin: germline.
Comment: The p.P3797S variant (also known as c.11389C>T), located in coding exon 2 of the ZNF469 gene, results from a C to T substitution at nucleotide position 11389. The proline at codon 3797 is replaced by serine, an amino acid with similar properties. This amino acid position is conserved. In addition, this alteration is predicted to be tolerated by in silico analysis. Since supporting evidence is limited at this time, the clinical significance of this alteration remains unclear.

NM_001367624.2(ZNF469):c.11473C>T (p.Pro3825Ser)

Gene: ZNF469 (zinc finger protein 469; plus strand). Cytogenetic location: 16q24.2.
Variant type: single nucleotide variant.
Coding change: c.11473C>T on transcript NM_001367624.2 (MANE Select); coding-DNA position 11473, C replaced by T.
Protein change: p.Pro3825Ser; replaces proline 3825 with serine.
Molecular consequence: missense variant.
Genome position (GRCh38, 1-based): chr16:88,438,943, C>T. VCF-style: chr16-88438943-C-T. GRCh37 (hg19) VCF-style: chr16-88505351-C-T.
Other names: NM_001127464.1:c.11389C>T; short protein forms P3825S.
Identifiers: ClinVar variation 1730272 (VCV001730272.2), dbSNP rs2507609177, ClinGen allele CA397130224.